The following is an entry in ClinVar:

NM_000141.5(FGFR2):c.82G>A (p.Val28Ile)

Gene: FGFR2 (fibroblast growth factor receptor 2; minus strand). Cytogenetic location: 10q26.13.
Variant type: single nucleotide variant.
Coding change: c.82G>A on transcript NM_000141.5 (MANE Select); coding-DNA position 82, G replaced by A.
Protein change: p.Val28Ile; replaces valine 28 with isoleucine.
Molecular consequence: missense variant. On other transcripts: non-coding transcript variant (1).
Genome position (GRCh38, 1-based): chr10:121,593,736, C>T on the plus strand (G>A on the coding strand, the complement: FGFR2 is on the minus strand). VCF-style: chr10-121593736-C-T. GRCh37 (hg19) VCF-style: chr10-123353250-C-T.
Other names: c.82G>A, p.Val28Ile (NM_001144913.1, NM_001144914.1, NM_001144915.2 and 7 more transcripts); short protein forms V28I.
Identifiers: ClinVar variation 1914366 (VCV001914366.5), dbSNP rs1863018890, ClinGen allele CA378327893.

ClinVar aggregate classification (germline): Uncertain significance (1 of 4 stars; one submission).

Conditions:
FGFR2-related craniosynostosis. Identifiers: MedGen CN231480.

Allele frequency attached by ClinVar (database versions not stated): TOPMed below 0.00001.

Submission:

Labcorp Genetics (formerly Invitae), Labcorp
Classification: Uncertain significance for FGFR2-related craniosynostosis. Last evaluated: 2024-08-12. Review status: criteria provided, single submitter. Criteria: Invitae Variant Classification Sherloc (09022015). Collection method: clinical testing. Allele origin: germline.
Comment: This sequence change replaces valine, which is neutral and non-polar, with isoleucine, which is neutral and non-polar, at codon 28 of the FGFR2 protein (p.Val28Ile). This variant is not present in population databases (gnomAD no frequency). This variant has not been reported in the literature in individuals affected with FGFR2-related conditions. ClinVar contains an entry for this variant (Variation ID: 1914366). Advanced modeling of protein sequence and biophysical properties (such as structural, functional, and spatial information, amino acid conservation, physicochemical variation, residue mobility, and thermodynamic stability) has been performed at Invitae for this missense variant, however the output from this modeling did not meet the statistical confidence thresholds required to predict the impact of this variant on FGFR2 protein function. In summary, the available evidence is currently insufficient to determine the role of this variant in disease. Therefore, it has been classified as a Variant of Uncertain Significance.